The following is an entry in ClinVar:

ClinVar aggregate classification (germline): Uncertain significance. Review status: criteria provided, multiple submitters, no conflicts (2 of 4 stars). 3 submissions from 3 submitters: Uncertain significance (3). Last evaluated 2025-08-27.

Conditions:
Inborn genetic diseases. Identifiers: MedGen C0950123, MeSH D030342.

Allele frequency attached by ClinVar (database versions not stated): gnomAD exomes 0.00001; gnomAD 0.00012 and 0.00013; TOPMed 0.00012; 1000 Genomes Project 30x 0.00016.
gnomAD v4.1: 30 of 1,252,158 alleles (0.0024%); highest among the groups gnomAD compares: African/African-American, 0.044%; no homozygotes.

Submissions (3):

Ambry Genetics
Classification: Uncertain significance for Inborn genetic diseases. Last evaluated: 2025-08-27. Review status: criteria provided, single submitter. Criteria: Ambry Variant Classification Scheme 2023. Collection method: clinical testing. Allele origin: germline.

Blueprint Genetics
Classification: Uncertain significance. Last evaluated: 2022-09-08. Review status: criteria provided, single submitter. Criteria: ACMG Guidelines, 2015. Collection method: clinical testing. Allele origin: germline.

Labcorp Genetics (formerly Invitae), Labcorp
Classification: Uncertain significance. Last evaluated: 2022-08-15. Review status: criteria provided, single submitter. Criteria: Invitae Variant Classification Sherloc (09022015). Collection method: clinical testing. Allele origin: germline.
Comment: This sequence change replaces leucine, which is neutral and non-polar, with isoleucine, which is neutral and non-polar, at codon 87 of the HMX1 protein (p.Leu87Ile). This variant is present in population databases (no rsID available, gnomAD 0.06%). This variant has not been reported in the literature in individuals affected with HMX1-related conditions. ClinVar contains an entry for this variant (Variation ID: 1016265). Algorithms developed to predict the effect of missense changes on protein structure and function are either unavailable or do not agree on the potential impact of this missense change (SIFT: "Tolerated"; PolyPhen-2: "Not Available"; Align-GVGD: "Class C0"). In summary, the available evidence is currently insufficient to determine the role of this variant in disease. Therefore, it has been classified as a Variant of Uncertain Significance.

NM_018942.3(HMX1):c.259C>A (p.Leu87Ile)

Gene: HMX1 (H6 family homeobox 1; minus strand). Cytogenetic location: 4p16.1.
Variant type: single nucleotide variant.
Coding change: c.259C>A on transcript NM_018942.3 (MANE Select); coding-DNA position 259, C replaced by A.
Protein change: p.Leu87Ile; replaces leucine 87 with isoleucine.
Molecular consequence: missense variant.
Genome position (GRCh38, 1-based): chr4:8,871,356, G>T on the plus strand (C>A on the coding strand, the complement: HMX1 is on the minus strand). VCF-style: chr4-8871356-G-T. GRCh37 (hg19) VCF-style: chr4-8873082-G-T.
Other names: c.259C>A (NM_018942.2); c.259C>A, p.Leu87Ile (NM_001306142.2); short protein forms L87I.
Identifiers: ClinVar variation 1016265 (VCV001016265.8), dbSNP rs982884103, ClinGen allele CA92350226.